The following is an entry in ClinVar:

ClinVar aggregate classification (germline): Uncertain significance. Review status: criteria provided, multiple submitters, no conflicts (2 of 4 stars). 3 submissions from 3 submitters: Uncertain significance (3). Last evaluated 2024-06-05.

Conditions:
Inborn genetic diseases. Identifiers: MedGen C0950123, MeSH D030342.
Lethal Kniest-like syndrome (DDSH). Also called: Dyssegmental Dysplasia. Identifiers: Orphanet 1865, MedGen C1857100, MONDO:0009140, OMIM 224410.

Allele frequency attached by ClinVar (database versions not stated): TOPMed 0.00003; gnomAD 0.00004; gnomAD exomes 0.00009; ExAC 0.00020.
gnomAD v4.1: 88 of 1,570,972 alleles (0.0056%); highest among the groups gnomAD compares: South Asian, 0.03%; 1 homozygote.

Submissions (3):

Ambry Genetics
Classification: Uncertain significance for Inborn genetic diseases. Last evaluated: 2024-06-05. Review status: criteria provided, single submitter. Criteria: Ambry Variant Classification Scheme 2023. Collection method: clinical testing. Allele origin: germline.

Labcorp Genetics (formerly Invitae), Labcorp
Classification: Uncertain significance. Last evaluated: 2023-11-15. Review status: criteria provided, single submitter. Criteria: Invitae Variant Classification Sherloc (09022015). Collection method: clinical testing. Allele origin: germline.
Comment: This sequence change replaces arginine, which is basic and polar, with tryptophan, which is neutral and slightly polar, at codon 4028 of the HSPG2 protein (p.Arg4028Trp). The frequency data for this variant in the population databases is considered unreliable, as metrics indicate poor data quality at this position in the gnomAD database. This variant has not been reported in the literature in individuals affected with HSPG2-related conditions. ClinVar contains an entry for this variant (Variation ID: 999821). An algorithm developed to predict the effect of missense changes on protein structure and function (PolyPhen-2) suggests that this variant is likely to be disruptive. In summary, the available evidence is currently insufficient to determine the role of this variant in disease. Therefore, it has been classified as a Variant of Uncertain Significance.

Neuberg Centre For Genomic Medicine, NCGM
Classification: Uncertain significance for Lethal Kniest-like syndrome. Review status: criteria provided, single submitter. Criteria: ACMG Guidelines, 2015. Collection method: clinical testing. Allele origin: germline. Inheritance: Autosomal recessive inheritance. Affected: yes.
Comment: The missense variant c.12085C>T (p.Arg4029Trp) in HSPG2 gene has not been reported previously as a pathogenic variant nor as a benign variant, to our knowledge. The p.Arg4029Trp variant is reported with the allele frequency (0.009%) in the gnomAD Exomes and is novel (not in any individuals) in 1000 Genomes. The amino acid Arg at position 4029 is changed to a Trp changing protein sequence and it might alter its composition and physico-chemical properties. The variant is predicted to be damaging by both SIFT and PolyPhen2. The residue is conserved across species. The amino acid change p.Arg4029Trp in HSPG2 is predicted as conserved by GERP++ and PhyloP across 100 vertebrates. For these reasons, this variant has been classified as Variant of Uncertain Significance.

NM_005529.7(HSPG2):c.12082C>T (p.Arg4028Trp)

Gene: HSPG2 (heparan sulfate proteoglycan 2; minus strand). Cytogenetic location: 1p36.12.
Variant type: single nucleotide variant.
Coding change: c.12082C>T on transcript NM_005529.7 (MANE Select); coding-DNA position 12082, C replaced by T.
Protein change: p.Arg4028Trp; replaces arginine 4028 with tryptophan.
Molecular consequence: missense variant.
Genome position (GRCh38, 1-based): chr1:21,828,990, G>A on the plus strand (C>T on the coding strand, the complement: HSPG2 is on the minus strand). VCF-style: chr1-21828990-G-A. GRCh37 (hg19) VCF-style: chr1-22155483-G-A.
Other names: c.12085C>T, p.Arg4029Trp (NM_001291860.2); c.12082C>T (NM_005529.5); short protein forms R4028W, R4029W.
Identifiers: ClinVar variation 999821 (VCV000999821.7), dbSNP rs759213540, ClinGen allele CA669525.